The following is an entry in ClinVar:

ClinVar aggregate classification (germline): Likely benign. Review status: criteria provided, single submitter (1 of 4 stars). 2 submissions from 2 submitters: Likely benign (1). 1 of the submissions does not count toward it. Last evaluated 2025-07-06.

Conditions:
LAMA5-related disorder. Also called: LAMA5-Related Disorders; LAMA5-related condition.

Allele frequency attached by ClinVar (database versions not stated): gnomAD exomes 0.00003; ExAC 0.00010; 1000 Genomes Project 0.00020; gnomAD 0.00034; TOPMed 0.00036; ESP Exome Variant Server 0.00039; 1000 Genomes Project 30x 0.00047.
gnomAD v4.1: 101 of 1,611,548 alleles (0.0063%); highest among the groups gnomAD compares: African/African-American, 0.13%; no homozygotes.

Submissions (2):

Labcorp Genetics (formerly Invitae), Labcorp
Classification: Likely benign. Last evaluated: 2025-07-06. Review status: criteria provided, single submitter. Criteria: Invitae Variant Classification Sherloc (09022015). Collection method: clinical testing. Allele origin: germline.

PreventionGenetics, part of Exact Sciences
Classification: Likely benign for LAMA5-related condition. Last evaluated: 2021-09-13. Review status: no assertion criteria provided. Collection method: clinical testing. Allele origin: germline. Not counted in ClinVar's aggregate classification.
Comment: This variant is classified as likely benign based on ACMG/AMP sequence variant interpretation guidelines (Richards et al. 2015 PMID: 25741868, with internal and published modifications).

NM_005560.6(LAMA5):c.10797G>A (p.Val3599=)

Gene: LAMA5 (laminin subunit alpha 5; minus strand). Cytogenetic location: 20q13.33.
Variant type: single nucleotide variant.
Coding change: c.10797G>A on transcript NM_005560.6 (MANE Select); coding-DNA position 10797, G replaced by A.
Protein change: p.Val3599=; no amino-acid change (valine 3599 retained).
Molecular consequence: synonymous variant.
Genome position (GRCh38, 1-based): chr20:62,310,019, C>T on the plus strand (G>A on the coding strand, the complement: LAMA5 is on the minus strand). VCF-style: chr20-62310019-C-T. GRCh37 (hg19) VCF-style: chr20-60885075-C-T.
Identifiers: ClinVar variation 3036709 (VCV003036709.3), dbSNP rs147108312, ClinGen allele CA9939611.
Genomic context (GRCh38, chr20:62,310,019, plus strand): 5'-GAGTGCCCTGGCCACAGGAGGGGCCTCACCCGCTAGCCGGTGCCACTGGCCATCACACAG[C>T]ACTGAGGGGCGGGTCACTGACGTGGAGAACTCCCCTGCTCCGTCATCCGCCCGCAGCAGG-3'
Protein context (NP_005551.3, residues 3589-3609): EFSTSVTRPS[Val3599=]LCDGQWHRLA